The following is an entry in ClinVar:

NM_133433.4(NIPBL):c.5681G>T (p.Arg1894Leu)

Gene: NIPBL (NIPBL cohesin loading factor; plus strand). Cytogenetic location: 5p13.2.
Variant type: single nucleotide variant.
Coding change: c.5681G>T on transcript NM_133433.4 (MANE Select); coding-DNA position 5681, G replaced by T.
Protein change: p.Arg1894Leu; replaces arginine 1894 with leucine.
Molecular consequence: missense variant.
Genome position (GRCh38, 1-based): chr5:37,024,691, G>T. VCF-style: chr5-37024691-G-T. GRCh37 (hg19) VCF-style: chr5-37024793-G-T.
Other names: c.5681G>T, p.Arg1894Leu (NM_015384.5); short protein forms R1894L.
Identifiers: ClinVar variation 1306783 (VCV001306783.3), dbSNP rs2149702419, ClinGen allele CA359491398.

ClinVar aggregate classification (germline): Uncertain significance. Review status: criteria provided, multiple submitters, no conflicts (2 of 4 stars). 2 submissions from 2 submitters: Uncertain significance (2). Last evaluated 2024-03-23.

Conditions:
Cornelia de Lange syndrome 1 (CDLS1). Also called: NIPBL-Related Cornelia de Lange Syndrome; TYPUS DEGENERATIVUS AMSTELODAMENSIS; Brachmann de Lange syndrome. Identifiers: Orphanet 199, MedGen C4551851, MONDO:0007387, OMIM 122470.

Submissions (2):

Fulgent Genetics
Classification: Uncertain significance for Cornelia de Lange syndrome 1. Last evaluated: 2024-03-23. Review status: criteria provided, single submitter. Criteria: ACMG Guidelines, 2015. Collection method: clinical testing. Allele origin: germline.

GeneDx
Classification: Uncertain significance. Last evaluated: 2019-06-26. Review status: criteria provided, single submitter. Criteria: GeneDx Variant Classification Process June 2021. Collection method: clinical testing. Allele origin: germline. Affected: yes.
Comment: Not observed in large population cohorts (Lek et al., 2016); In silico analysis, which includes protein predictors and evolutionary conservation, supports a deleterious effect; Has not been previously published as pathogenic or benign to our knowledge